The following is an entry in ClinVar:

ClinVar aggregate classification (germline): Likely benign (0 of 4 stars; one submission).

Conditions:
SRA1-related disorder. Also called: SRA1-related condition.

Allele frequency attached by ClinVar (database versions not stated): 1000 Genomes Project 0.00419; 1000 Genomes Project 30x 0.00453.

Submission:

PreventionGenetics, part of Exact Sciences
Classification: Likely benign for SRA1-related condition. Last evaluated: 2024-01-03. Review status: no assertion criteria provided. Collection method: clinical testing. Allele origin: germline.
Comment: This variant is classified as likely benign based on ACMG/AMP sequence variant interpretation guidelines (Richards et al. 2015 PMID: 25741868, with internal and published modifications).

NM_001035235.4(SRA1):c.26-64C>T

Gene: SRA1 (steroid receptor RNA activator 1; minus strand). Cytogenetic location: 5q31.3.
Variant type: single nucleotide variant.
Coding change: c.26-64C>T on transcript NM_001035235.4 (MANE Select); 64 bases into the intron before coding-DNA position 26, C replaced by T.
Molecular consequence: intron variant. On other transcripts: synonymous variant (1), non-coding transcript variant (1).
Genome position (GRCh38, 1-based): chr5:140,557,336, G>A on the plus strand (C>T on the coding strand, the complement: SRA1 is on the minus strand). VCF-style: chr5-140557336-G-A. GRCh37 (hg19) VCF-style: chr5-139936921-G-A.
Other names: c.117C>T, p.Pro39= (NM_001253764.2).
Identifiers: ClinVar variation 3041584 (VCV003041584.2), dbSNP rs35999684, ClinGen allele CA3440770.